The following is an entry in ClinVar:

NM_000136.3(FANCC):c.935_936del (p.Ile312fs)

Genes: AOPEP (aminopeptidase O (putative); plus strand), FANCC (FA complementation group C; minus strand). Cytogenetic location: 9q22.32.
Variant type: Deletion.
Coding change: c.935_936del on transcript NM_000136.3 (MANE Select); coding-DNA positions 935 to 936, 2 bases deleted (TA; older notation c.935_936delTA).
Protein change: p.Ile312fs; shifts the reading frame from isoleucine 312.
Molecular consequence: frameshift variant.
Genome position (GRCh38, 1-based): chr9:95,125,146-95,125,147, TA deleted on the plus strand (TA on the coding strand, the reverse complement: FANCC is on the minus strand); deleting any 2 consecutive bases within chr9:95,125,146-95,125,148 gives the same sequence; the c. name uses the placement nearest the transcript's 3' end. VCF-style (leftmost placement, unchanged base first): chr9-95125145-CTA-C. GRCh37 (hg19) VCF-style: chr9-97887427-CTA-C.
Other names: c.935_936del, p.Ile312fs (NM_001243743.2, NM_001243744.2); short protein forms I312fs.
Identifiers: ClinVar variation 2181587 (VCV002181587.5), dbSNP rs2541138686, ClinGen allele CA2580080750.

ClinVar aggregate classification (germline): Pathogenic/Likely pathogenic. Review status: criteria provided, multiple submitters, no conflicts (2 of 4 stars). 2 submissions from 2 submitters: Pathogenic (1); Likely pathogenic (1). Last evaluated 2024-02-14.

Conditions:
Fanconi anemia (FA). Also called: Fanconi's anemia. Identifiers: Orphanet 84, MedGen C0015625, MeSH D005199, MONDO:0019391.
Fanconi anemia complementation group C (FANCC). Also called: FANCONI PANCYTOPENIA, TYPE 3; FACC; FANCC-Related Fanconi Anemia; Fanconi anemia, group C. Identifiers: Orphanet 84, MedGen C3468041, MONDO:0009213, OMIM 227645.

Submissions (2):

Fulgent Genetics
Classification: Likely pathogenic for Fanconi anemia complementation group C. Last evaluated: 2024-02-14. Review status: criteria provided, single submitter. Criteria: ACMG Guidelines, 2015. Collection method: clinical testing. Allele origin: germline.

Labcorp Genetics (formerly Invitae), Labcorp
Classification: Pathogenic for Fanconi anemia. Last evaluated: 2022-09-18. Review status: criteria provided, single submitter. Criteria: Invitae Variant Classification Sherloc (09022015). Collection method: clinical testing. Allele origin: germline.
Comment: This sequence change creates a premature translational stop signal (p.Ile312Serfs*61) in the FANCC gene. It is expected to result in an absent or disrupted protein product. Loss-of-function variants in FANCC are known to be pathogenic (PMID: 17924555). This variant is not present in population databases (gnomAD no frequency). For these reasons, this variant has been classified as Pathogenic. This variant has not been reported in the literature in individuals affected with FANCC-related conditions.

Literature cited by the submitters: PubMed 17924555 (cited by Labcorp Genetics (formerly Invitae), Labcorp).